The following is an entry in ClinVar:

NM_003000.3(SDHB):c.18C>T (p.Ala6=)

Gene: SDHB (succinate dehydrogenase complex iron sulfur subunit B; minus strand). Cytogenetic location: 1p36.13.
Variant type: single nucleotide variant.
Coding change: c.18C>T on transcript NM_003000.3 (MANE Select); coding-DNA position 18, C replaced by T.
Protein change: p.Ala6=; no amino-acid change (alanine 6 retained).
Molecular consequence: synonymous variant.
Genome position (GRCh38, 1-based): chr1:17,054,002, G>A on the plus strand (C>T on the coding strand, the complement: SDHB is on the minus strand). VCF-style: chr1-17054002-G-A. GRCh37 (hg19) VCF-style: chr1-17380497-G-A.
Identifiers: ClinVar variation 1112604 (VCV001112604.8), dbSNP rs2746462, ClinGen allele CA416048810.

ClinVar aggregate classification (germline): Benign/Likely benign. Review status: criteria provided, multiple submitters, no conflicts (2 of 4 stars). 2 submissions from 2 submitters: Benign (1); Likely benign (1). Last evaluated 2025-03-12.

Conditions:
Pheochromocytoma. Also called: MAX-Related Hereditary Paraganglioma-Pheochromocytoma Syndrome. Identifiers: Orphanet 29072, MedGen C0031511, MONDO:0008233, OMIM 171300, HP:0002666.
Gastrointestinal stromal tumor. Also called: Gastrointestinal stroma tumor; Gastrointestinal stromal tumor, somatic. Identifiers: Orphanet 44890, MedGen C0238198, MeSH D046152, MONDO:0011719, OMIM 606764, HP:0100723.
Pheochromocytoma/paraganglioma syndrome 4. Also called: SDHB-Related Hereditary Paraganglioma-Pheochromocytoma Syndrome (Paragangliomas 4); SDHB-Related Hereditary Paraganglioma-Pheochromocytoma Syndrome; CAROTID BODY TUMORS AND MULTIPLE EXTRAADRENAL PHEOCHROMOCYTOMAS; PARAGANGLIOMA, FAMILIAL MALIGNANT; PARAGANGLIOMAS, HEREDITARY EXTRAADRENAL; PHEOCHROMOCYTOMA, FAMILIAL EXTRAADRENAL. Identifiers: Orphanet 29072, MedGen C1861848, MONDO:0007273, OMIM 115310.

Submissions (2):

Myriad Genetics, Inc.
Classification: Benign for Pheochromocytoma/paraganglioma syndrome 4. Last evaluated: 2025-03-12. Review status: criteria provided, single submitter. Criteria: Myriad Autosomal Dominant, Autosomal Recessive and X-Linked Classification Criteria (2023). Collection method: clinical testing. Allele origin: unknown.
Comment: This variant is considered benign. This variant is a silent/synonymous amino acid change and it is not expected to impact splicing.

Labcorp Genetics (formerly Invitae), Labcorp
Classification: Likely benign for Gastrointestinal stromal tumor; Pheochromocytoma/paraganglioma syndrome 4; Pheochromocytoma. Last evaluated: 2022-03-29. Review status: criteria provided, single submitter. Criteria: Invitae Variant Classification Sherloc (09022015). Collection method: clinical testing. Allele origin: germline.